The following is an entry in ClinVar:

ClinVar aggregate classification (germline): Likely benign (1 of 4 stars; one submission).

Conditions:
CUX1-related disorder. Also called: CUX1-related condition.

gnomAD v4.1: 64 of 1,592,766 alleles (0.004%); highest among the groups gnomAD compares: African/African-American, 0.047%; no homozygotes.

Submission:

PreventionGenetics, part of Exact Sciences
Classification: Likely benign for CUX1-related condition. Last evaluated: 2025-09-20. Review status: criteria provided, single submitter. Criteria: ACMG Guidelines, 2015. Collection method: clinical testing. Allele origin: germline.
Comment: This variant is classified as likely benign based on ACMG/AMP sequence variant interpretation guidelines (Richards et al. 2015 PMID: 25741868, with internal and published modifications).

NM_181552.4(CUX1):c.782A>G (p.Asn261Ser)

Gene: CUX1 (cut like homeobox 1; plus strand). Cytogenetic location: 7q22.1.
Variant type: single nucleotide variant.
Coding change: c.782A>G on transcript NM_181552.4 (MANE Select); coding-DNA position 782, A replaced by G.
Protein change: p.Asn261Ser; replaces asparagine 261 with serine.
Molecular consequence: missense variant.
Genome position (GRCh38, 1-based): chr7:102,170,504, A>G. VCF-style: chr7-102170504-A-G. GRCh37 (hg19) VCF-style: chr7-101813784-A-G.
Other names: c.815A>G, p.Asn272Ser (NM_001202543.2, NM_001913.5, NM_181500.4); c.767A>G, p.Asn256Ser (NM_001202544.3); c.677A>G, p.Asn226Ser (NM_001202545.3); c.704A>G, p.Asn235Ser (NM_001202546.3); short protein forms N235S, N256S, N261S, N272S, N226S.
Identifiers: ClinVar variation 4990775 (VCV004990775.1).